The following is an entry in ClinVar:

ClinVar aggregate classification (germline): Uncertain significance. Review status: criteria provided, single submitter (1 of 4 stars). 2 submissions from 2 submitters: Uncertain significance (1). 1 of the submissions does not count toward it. Last evaluated 2025-10-31.

Conditions:
Deficiency of alpha-mannosidase (MANSA). Also called: Mannosidosis, alpha-, types I and II; Alpha-Mannosidosis; LYSOSOMAL ALPHA-D-MANNOSIDASE DEFICIENCY. Identifiers: Orphanet 61, MedGen C0024748, MONDO:0009561, OMIM 248500.

Submissions (2):

Myriad Genetics, Inc.
Classification: Uncertain significance for Deficiency of alpha-mannosidase. Last evaluated: 2025-10-31. Review status: criteria provided, single submitter. Criteria: Myriad Autosomal Dominant, Autosomal Recessive and X-Linked Classification Criteria (2023). Collection method: clinical testing. Allele origin: unknown.
Comment: NM_000528.3(MAN2B1):c.2T>A(M1?) is an initiation codon variant classified as a variant of uncertain significance in the context of alpha-mannosidosis. M1? has not been observed in cases with relevant disease. Relevant functional assessments of this variant are not available in the literature. M1? has not been observed in referenced population frequency databases. In summary, there is insufficient evidence to classify NM_000528.3(MAN2B1):c.2T>A(M1?) as pathogenic or benign. Please note: this variant was assessed in the context of healthy population screening.

Counsyl
Classification: Uncertain significance for Deficiency of alpha-mannosidase. Last evaluated: 2017-10-12. Review status: no assertion criteria provided. Collection method: clinical testing. Allele origin: unknown. Not counted in ClinVar's aggregate classification.

Literature cited by the submitters: PubMed 21505070 (cited by Counsyl).

NM_000528.4(MAN2B1):c.2T>A (p.Met1Lys)

Genes: MAN2B1 (mannosidase alpha class 2B member 1; minus strand), LOC130063650 (ATAC-STARR-seq lymphoblastoid silent region 10156; plus strand). Cytogenetic location: 19p13.13.
Variant type: single nucleotide variant.
Coding change: c.2T>A on transcript NM_000528.4 (MANE Select); coding-DNA position 2, T replaced by A.
Protein change: p.Met1Lys; changes the start codon (methionine 1).
Molecular consequence: missense variant, initiator codon variant.
Genome position (GRCh38, 1-based): chr19:12,666,700, A>T on the plus strand (T>A on the coding strand, the complement: MAN2B1 is on the minus strand). VCF-style: chr19-12666700-A-T. GRCh37 (hg19) VCF-style: chr19-12777514-A-T.
Other names: c.2T>A, p.Met1Lys (NM_001173498.2); short protein forms M1K.
Identifiers: ClinVar variation 554252 (VCV000554252.4), dbSNP rs1555710357, ClinGen allele CA404261268.
Genomic context (GRCh38, chr19:12,666,700, plus strand): 5'-GGGCCTGCTGAGTCCAGGCAGCCGCGAGCGCAGACCCCCGAAGCCCGCGCGTAGGCGCCC[A>T]TGGCTCAGCAGCTTCCTCCTGGGGTTCCCCGGCCCTGGAAAGGCCGGGCAAACGCCCCGC-3'
Protein context (NP_000519.2, residues 1-11): [Met1Lys]GAYARASGVC